The following is an entry in ClinVar:

NM_004304.5(ALK):c.3752C>T (p.Ala1251Val)

Gene: ALK (ALK receptor tyrosine kinase; minus strand). Cytogenetic location: 2p23.2.
Variant type: single nucleotide variant.
Coding change: c.3752C>T on transcript NM_004304.5 (MANE Select); coding-DNA position 3752, C replaced by T.
Protein change: p.Ala1251Val; replaces alanine 1251 with valine.
Molecular consequence: missense variant.
Genome position (GRCh38, 1-based): chr2:29,209,870, G>A on the plus strand (C>T on the coding strand, the complement: ALK is on the minus strand). VCF-style: chr2-29209870-G-A. GRCh37 (hg19) VCF-style: chr2-29432736-G-A.
Other names: c.548C>T, p.Ala183Val (NM_001353765.2); short protein forms A1251V, A183V.
Identifiers: ClinVar variation 1734577 (VCV001734577.2), dbSNP rs2148155374, ClinGen allele CA346469850.
Genomic context (GRCh38, chr2:29,209,870, plus strand): 5'-AAGTCTCCAATCTTGGCCACTCTTCCAGGGCCTGGACAGGTCAAGAGGCAGTTTCTGGCA[G>A]CAATGTCTCTGGGAAGAAAGGAAATGCATTTCCTAATTTTATCCCTAGGAAGATGAGTGT-3'
Protein context (NP_004295.2, residues 1241-1261): EENHFIHRDI[Ala1251Val]ARNCLLTCPG

ClinVar aggregate classification (germline): Uncertain significance (1 of 4 stars; one submission).

Conditions:
Hereditary cancer-predisposing syndrome. Also called: Neoplastic Syndromes, Hereditary; Tumor predisposition; Hereditary Cancer Syndrome; Hereditary neoplastic syndrome. Identifiers: Orphanet 140162, MedGen C0027672, MeSH D009386, MONDO:0015356.

Submission:

Ambry Genetics
Classification: Uncertain significance for Hereditary cancer-predisposing syndrome. Last evaluated: 2022-08-09. Review status: criteria provided, single submitter. Criteria: Ambry Variant Classification Scheme 2023. Collection method: clinical testing. Allele origin: germline.
Comment: The p.A1251V variant (also known as c.3752C>T), located in coding exon 25 of the ALK gene, results from a C to T substitution at nucleotide position 3752. The alanine at codon 1251 is replaced by valine, an amino acid with similar properties. This amino acid position is conserved. In addition, this alteration is predicted to be deleterious by in silico analysis. Since supporting evidence is limited at this time, the clinical significance of this alteration remains unclear.